The following is an entry in ClinVar:

NM_001170700.3(DTHD1):c.2240T>C (p.Val747Ala)

Gene: DTHD1 (death domain containing 1; plus strand). Cytogenetic location: 4p14.
Variant type: single nucleotide variant.
Coding change: c.2240T>C on transcript NM_001170700.3 (MANE Select); coding-DNA position 2240, T replaced by C.
Protein change: p.Val747Ala; replaces valine 747 with alanine.
Molecular consequence: missense variant. On other transcripts: non-coding transcript variant (2).
Genome position (GRCh38, 1-based): chr4:36,316,386, T>C. VCF-style: chr4-36316386-T-C. GRCh37 (hg19) VCF-style: chr4-36318008-T-C.
Other names: c.1865T>C (NM_001170700.1); c.1370T>C, p.Val457Ala (NM_001136536.5); c.1307T>C, p.Val436Ala (NM_001378435.1); short protein forms V457A, V436A, V747A.
Identifiers: ClinVar variation 1376680 (VCV001376680.7), dbSNP rs904842690, ClinGen allele CA95790334.
Genomic context (GRCh38, chr4:36,316,386, plus strand): 5'-TGGACGAATTTGGAAACTATAGTTGCCCTCATTACAAAGGCACCATTGTCGTTTATAAAG[T>C]ACCTAAAGGAAAGATAGTCCCCAACTTGAATCAATCTCTCGTAATTAATGAAAACCATTC-3'
Protein context (NP_001164171.2, residues 737-757): HYKGTIVVYK[Val747Ala]PKGKIVPNLN

ClinVar aggregate classification (germline): Uncertain significance. Review status: criteria provided, multiple submitters, no conflicts (2 of 4 stars). 2 submissions from 2 submitters: Uncertain significance (2). Last evaluated 2025-06-30.

Allele frequency attached by ClinVar (database versions not stated): gnomAD exomes 0.00001; gnomAD 0.00009 and 0.00010; TOPMed 0.00011.
gnomAD v4.1: 23 of 1,552,160 alleles (0.0015%); highest among the groups gnomAD compares: African/African-American, 0.027%; no homozygotes.

Submissions (2):

Ambry Genetics
Classification: Uncertain significance. Last evaluated: 2025-06-30. Review status: criteria provided, single submitter. Criteria: Ambry Variant Classification Scheme 2023. Collection method: clinical testing. Allele origin: germline.

Labcorp Genetics (formerly Invitae), Labcorp
Classification: Uncertain significance. Last evaluated: 2025-06-17. Review status: criteria provided, single submitter. Criteria: Invitae Variant Classification Sherloc (09022015). Collection method: clinical testing. Allele origin: germline.
Comment: This sequence change replaces valine, which is neutral and non-polar, with alanine, which is neutral and non-polar, at codon 457 of the DTHD1 protein (p.Val457Ala). This variant is present in population databases (no rsID available, gnomAD 0.03%). This variant has not been reported in the literature in individuals affected with DTHD1-related conditions. ClinVar contains an entry for this variant (Variation ID: 1376680). An algorithm developed to predict the effect of missense changes on protein structure and function (PolyPhen-2) suggests that this variant is likely to be disruptive. In summary, the available evidence is currently insufficient to determine the role of this variant in disease. Therefore, it has been classified as a Variant of Uncertain Significance.